The following is an entry in ClinVar:

NM_000080.4(CHRNE):c.455T>A (p.Val152Asp)

Genes: C17orf107 (chromosome 17 open reading frame 107; plus strand), CHRNE (cholinergic receptor nicotinic epsilon subunit; minus strand). Cytogenetic location: 17p13.2.
Variant type: single nucleotide variant.
Coding change: c.455T>A on transcript NM_000080.4 (MANE Select); coding-DNA position 455, T replaced by A.
Protein change: p.Val152Asp; replaces valine 152 with aspartic acid.
Molecular consequence: missense variant. On other transcripts: 3 prime UTR variant (1).
Genome position (GRCh38, 1-based): chr17:4,901,977, A>T on the plus strand (T>A on the coding strand, the complement: CHRNE is on the minus strand). VCF-style: chr17-4901977-A-T. GRCh37 (hg19) VCF-style: chr17-4805272-A-T.
Other names: c.*1444A>T (NM_001145536.2); short protein forms V152D.
Identifiers: ClinVar variation 2039318 (VCV002039318.6), dbSNP rs142901746, ClinGen allele CA8314453.

ClinVar aggregate classification (germline): Uncertain significance. Review status: criteria provided, multiple submitters, no conflicts (2 of 4 stars). 3 submissions from 3 submitters: Uncertain significance (3). Last evaluated 2026-01-28.

Conditions:
Congenital myasthenic syndrome 4A. Also called: Myasthenic syndrome, congenital, 4a, slow-channel; CONGENITAL MYASTHENIC SYNDROME TYPE Ia1; MYASTHENIC SYNDROME, CONGENITAL, 4A, SLOW-CHANNEL, AUTOSOMAL RECESSIVE. Identifiers: Orphanet 590, MedGen C4225413, MONDO:0011600, OMIM 605809.
Inborn genetic diseases. Identifiers: MedGen C0950123, MeSH D030342.

Allele frequency attached by ClinVar (database versions not stated): ExAC 0.00008; gnomAD 0.00013; TOPMed 0.00017; ESP Exome Variant Server 0.00031.
gnomAD v4.1: 48 of 1,610,772 alleles (0.003%); highest among the groups gnomAD compares: African/African-American, 0.054%; no homozygotes.

Submissions (3):

Labcorp Genetics (formerly Invitae), Labcorp
Classification: Uncertain significance for Congenital myasthenic syndrome 4A. Last evaluated: 2026-01-28. Review status: criteria provided, single submitter. Criteria: Invitae Variant Classification Sherloc (09022015). Collection method: clinical testing. Allele origin: germline.
Comment: This sequence change replaces valine, which is neutral and non-polar, with aspartic acid, which is acidic and polar, at codon 152 of the CHRNE protein (p.Val152Asp). This variant is present in population databases (rs142901746, gnomAD 0.07%). This variant has not been reported in the literature in individuals affected with CHRNE-related conditions. ClinVar contains an entry for this variant (Variation ID: 2039318). Invitae Evidence Modeling of protein sequence and biophysical properties (such as structural, functional, and spatial information, amino acid conservation, physicochemical variation, residue mobility, and thermodynamic stability) indicates that this missense variant is expected to disrupt CHRNE protein function with a positive predictive value of 95%. In summary, the available evidence is currently insufficient to determine the role of this variant in disease. Therefore, it has been classified as a Variant of Uncertain Significance.

Women's Health and Genetics/Laboratory Corporation of America, LabCorp
Classification: Uncertain significance. Last evaluated: 2025-11-27. Review status: criteria provided, single submitter. Criteria: LabCorp Variant Classification Summary - May 2015. Collection method: clinical testing. Allele origin: germline.

Ambry Genetics
Classification: Uncertain significance for Inborn genetic diseases. Last evaluated: 2025-10-07. Review status: criteria provided, single submitter. Criteria: Ambry Variant Classification Scheme 2023. Collection method: clinical testing. Allele origin: germline.